The following is an entry in ClinVar:

NM_001367624.2(ZNF469):c.2407G>A (p.Ala803Thr)

Gene: ZNF469 (zinc finger protein 469; plus strand). Cytogenetic location: 16q24.2.
Variant type: single nucleotide variant.
Coding change: c.2407G>A on transcript NM_001367624.2 (MANE Select); coding-DNA position 2407, G replaced by A.
Protein change: p.Ala803Thr; replaces alanine 803 with threonine.
Molecular consequence: missense variant.
Genome position (GRCh38, 1-based): chr16:88,429,877, G>A. VCF-style: chr16-88429877-G-A. GRCh37 (hg19) VCF-style: chr16-88496285-G-A.
Other names: NM_001127464.1:c.2407G>A; short protein forms A803T.
Identifiers: ClinVar variation 1723810 (VCV001723810.5), dbSNP rs113484918, ClinGen allele CA397071886.
Genomic context (GRCh38, chr16:88,429,877, plus strand): 5'-CCTGCCGACGCACACGCGGGCTTGCTCAGCCACGCGAAGACCTTCCTGTTAGCTGGGGAC[G>A]CCCAGGCCGAGGGCAAAGACGACCCCCTGAGGACAGGCTTCCTGCCCAGCCTGGCCGCCA-3'
Protein context (NP_001354553.1, residues 793-813): HAKTFLLAGD[Ala803Thr]QAEGKDDPLR

ClinVar aggregate classification (germline): Uncertain significance. Review status: criteria provided, multiple submitters, no conflicts (2 of 4 stars). 2 submissions from 2 submitters: Uncertain significance (2). Last evaluated 2025-06-03.

Conditions:
Cardiovascular phenotype. Identifiers: MedGen CN230736.

gnomAD v4.1: 3 of 1,550,008 alleles (0.00019%); highest among the groups gnomAD compares: African/African-American, 0.0027%; no homozygotes.

Submissions (2):

Ambry Genetics
Classification: Uncertain significance for Cardiovascular phenotype. Last evaluated: 2025-06-03. Review status: criteria provided, single submitter. Criteria: Ambry Variant Classification Scheme 2023. Collection method: clinical testing. Allele origin: germline.

GeneDx
Classification: Uncertain significance. Last evaluated: 2022-05-13. Review status: criteria provided, single submitter. Criteria: GeneDx Variant Classification Process June 2021. Collection method: clinical testing. Allele origin: germline. Affected: yes.
Comment: Not observed at significant frequency in large population cohorts (gnomAD); In silico analysis supports that this missense variant does not alter protein structure/function; Has not been previously published as pathogenic or benign to our knowledge